The following is an entry in ClinVar:

NM_005461.5(MAFB):c.253C>A (p.Leu85Met)

Gene: MAFB (MAF bZIP transcription factor B; minus strand). Cytogenetic location: 20q12.
Variant type: single nucleotide variant.
Coding change: c.253C>A on transcript NM_005461.5 (MANE Select); coding-DNA position 253, C replaced by A.
Protein change: p.Leu85Met; replaces leucine 85 with methionine.
Molecular consequence: missense variant.
Genome position (GRCh38, 1-based): chr20:40,688,598, G>T on the plus strand (C>A on the coding strand, the complement: MAFB is on the minus strand). VCF-style: chr20-40688598-G-T. GRCh37 (hg19) VCF-style: chr20-39317238-G-T.
Other names: c.253C>A (NM_005461.3); short protein forms L85M.
Identifiers: ClinVar variation 338411 (VCV000338411.13), dbSNP rs377639854, ClinGen allele CA9857818.

ClinVar aggregate classification (germline): Benign/Likely benign. Review status: criteria provided, multiple submitters, no conflicts (2 of 4 stars). 3 submissions from 3 submitters: Benign (2); Likely benign (1). Last evaluated 2025-10-22.

Conditions:
Multicentric carpo-tarsal osteolysis with or without nephropathy. Also called: Carnevale Canun Mendoza syndrome; MULTICENTRIC OSTEOLYSIS, AUTOSOMAL DOMINANT; Multicentric Carpotarsal Osteolysis with or without Nephropathy; Multicentric Osteolysis of Carpal Bones and Nephropathy; OSTEOLYSIS, HEREDITARY, OF CARPAL BONES WITH OR WITHOUT NEPHROPATHY; MULTICENTRIC CARPOTARSAL OSTEOLYSIS SYNDROME. Identifiers: Orphanet 2774, MedGen C2674705, MONDO:0008152, OMIM 166300.
Inborn genetic diseases. Identifiers: MedGen C0950123, MeSH D030342.

Allele frequency attached by ClinVar (database versions not stated): TOPMed 0.00001; gnomAD 0.00002 and 0.00005; gnomAD exomes 0.00003 and 0.00008; ExAC 0.00008; 1000 Genomes Project 0.00020; 1000 Genomes Project 30x 0.00047.

Submissions (3):

Labcorp Genetics (formerly Invitae), Labcorp
Classification: Benign. Last evaluated: 2025-10-22. Review status: criteria provided, single submitter. Criteria: Invitae Variant Classification Sherloc (09022015). Collection method: clinical testing. Allele origin: germline.

Ambry Genetics
Classification: Likely benign for Inborn genetic diseases. Last evaluated: 2024-10-01. Review status: criteria provided, single submitter. Criteria: Ambry Variant Classification Scheme 2023. Collection method: clinical testing. Allele origin: germline.

Illumina Laboratory Services, Illumina
Classification: Benign for Multicentric carpo-tarsal osteolysis with or without nephropathy. Last evaluated: 2018-01-13. Review status: criteria provided, single submitter. Criteria: ICSL Variant Classification Criteria 13 December 2019. Collection method: clinical testing. Allele origin: germline.
Comment: This variant was observed in the ICSL laboratory as part of a predisposition screen in an ostensibly healthy population. It had not been previously curated by ICSL or reported in the Human Gene Mutation Database (HGMD: prior to June 1st, 2018), and was therefore a candidate for classification through an automated scoring system. Utilizing variant allele frequency, disease prevalence and penetrance estimates, and inheritance mode, an automated score was calculated to assess if this variant is too frequent to cause the disease. Based on the score and internal cut-off values, a variant classified as benign is not then subjected to further curation. The score for this variant resulted in a classification of benign for this disease.